The following is an entry in ClinVar:

NM_032119.4(ADGRV1):c.15319G>A (p.Val5107Ile)

Gene: ADGRV1 (adhesion G protein-coupled receptor V1; plus strand). Cytogenetic location: 5q14.3.
Variant type: single nucleotide variant.
Coding change: c.15319G>A on transcript NM_032119.4 (MANE Select); coding-DNA position 15319, G replaced by A.
Protein change: p.Val5107Ile; replaces valine 5107 with isoleucine.
Molecular consequence: missense variant. On other transcripts: non-coding transcript variant (1).
Genome position (GRCh38, 1-based): chr5:90,810,579, G>A. VCF-style: chr5-90810579-G-A. GRCh37 (hg19) VCF-style: chr5-90106396-G-A.
Other names: short protein forms V5107I.
Identifiers: ClinVar variation 1317116 (VCV001317116.2), dbSNP rs1272253804, ClinGen allele CA360408913.

ClinVar aggregate classification (germline): Uncertain significance (1 of 4 stars; one submission).

Allele frequency attached by ClinVar (database versions not stated): gnomAD exomes below 0.00001.

Submission:

GeneDx
Classification: Uncertain significance. Last evaluated: 2019-07-09. Review status: criteria provided, single submitter. Criteria: GeneDx Variant Classification Process June 2021. Collection method: clinical testing. Allele origin: germline. Affected: yes.
Comment: Not observed at a significant frequency in large population cohorts (Lek et al., 2016); In silico analysis, which includes protein predictors and evolutionary conservation, supports that this variant does not alter protein structure/function; Has not been previously published as pathogenic or benign to our knowledge